The following is an entry in ClinVar:

ClinVar aggregate classification (germline): Likely benign. Review status: criteria provided, multiple submitters, no conflicts (2 of 4 stars). 2 submissions from 2 submitters: Likely benign (2). Last evaluated 2018-06-19.

Allele frequency attached by ClinVar (database versions not stated): TOPMed 0.01004; 1000 Genomes Project 0.01018; 1000 Genomes Project 30x 0.01156.
gnomAD v4.1: 2,263 of 884,306 alleles (0.26%); highest among the groups gnomAD compares: African/African-American, 3%; 32 homozygotes.

Submissions (2):

GeneDx
Classification: Likely benign. Last evaluated: 2018-06-19. Review status: criteria provided, single submitter. Criteria: GeneDx Variant Classification (06012015). Collection method: clinical testing. Allele origin: germline. Affected: yes.
Comment: This variant is considered likely benign or benign based on one or more of the following criteria: it is a conservative change, it occurs at a poorly conserved position in the protein, it is predicted to be benign by multiple in silico algorithms, and/or has population frequency not consistent with disease.

Breakthrough Genomics
Classification: Likely benign. Review status: criteria provided, single submitter. Criteria: ACMG Guidelines, 2015. Collection method: not provided. Allele origin: germline. Inheritance: Autosomal recessive inheritance. Affected: yes.

NM_002693.3(POLG):c.2426+137A>G

Gene: POLG (DNA polymerase gamma, catalytic subunit; minus strand). Cytogenetic location: 15q26.1.
Variant type: single nucleotide variant.
Coding change: c.2426+137A>G on transcript NM_002693.3 (MANE Select); 137 bases into the intron after coding-DNA position 2426, A replaced by G.
Molecular consequence: intron variant.
Genome position (GRCh38, 1-based): chr15:89,322,605, T>C on the plus strand (A>G on the coding strand, the complement: POLG is on the minus strand). VCF-style: chr15-89322605-T-C. GRCh37 (hg19) VCF-style: chr15-89865836-T-C.
Other names: c.2426+137A>G (NM_001126131.2).
Identifiers: ClinVar variation 675585 (VCV000675585.2), dbSNP rs140059023, ClinGen allele CA274548401.